The following is an entry in ClinVar:

NM_147127.5(EVC2):c.3140G>A (p.Trp1047Ter)

Gene: EVC2 (EvC ciliary complex subunit 2; minus strand). Cytogenetic location: 4p16.2.
Variant type: single nucleotide variant.
Coding change: c.3140G>A on transcript NM_147127.5 (MANE Select); coding-DNA position 3140, G replaced by A.
Protein change: p.Trp1047Ter; replaces tryptophan 1047 with a stop codon.
Molecular consequence: nonsense.
Genome position (GRCh38, 1-based): chr4:5,576,372, C>T on the plus strand (G>A on the coding strand, the complement: EVC2 is on the minus strand). VCF-style: chr4-5576372-C-T. GRCh37 (hg19) VCF-style: chr4-5578099-C-T.
Other names: c.2900G>A, p.Trp967Ter (NM_001166136.2); short protein forms W1047*, W967*.
Identifiers: ClinVar variation 846041 (VCV000846041.8), dbSNP rs200560762, ClinGen allele CA91698031.
Genomic context (GRCh38, chr4:5,576,372, plus strand): 5'-TCAGAATCCACCTCCCCAGGTTCGTTCAGAATCCCGGGCCCATCGGCCACCCACTGCTGC[C>T]AGCTCGCCAGGGCCTGCTGCTGCTGGGCTGCCTCCTGCTGCACCAGCTGGTCCTCCAGCT-3'

ClinVar aggregate classification (germline): Pathogenic (1 of 4 stars; one submission).

Conditions:
Ellis-van Creveld syndrome (EVC). Also called: EVC-Related Ellis-van Creveld Syndrome; EVC2-Related Ellis-van Creveld Syndrome; MESOECTODERMAL DYSPLASIA; Chondroectodermal dysplasia. Identifiers: Orphanet 289, MedGen C0013903, MONDO:0009162, OMIM 225500.
Curry-Hall syndrome (WAD). Also called: WEYERS ACRODENTAL DYSOSTOSIS. Identifiers: Orphanet 952, MedGen C0457013, MONDO:0008673, OMIM 193530.

Allele frequency attached by ClinVar (database versions not stated): gnomAD exomes below 0.00001; TOPMed 0.00001.
gnomAD v4.1: 1 of 1,614,174 alleles (0.000062%); highest among the groups gnomAD compares: African/African-American, 0.0013%; no homozygotes.

Submission:

Labcorp Genetics (formerly Invitae), Labcorp
Classification: Pathogenic for Curry-Hall syndrome; Ellis-van Creveld syndrome. Last evaluated: 2025-01-13. Review status: criteria provided, single submitter. Criteria: Invitae Variant Classification Sherloc (09022015). Collection method: clinical testing. Allele origin: germline.
Comment: This sequence change creates a premature translational stop signal (p.Trp1047*) in the EVC2 gene. It is expected to result in an absent or disrupted protein product. Loss-of-function variants in EVC2 are known to be pathogenic (PMID: 17024374, 19810119, 19876929). This variant is not present in population databases (gnomAD no frequency). This variant has not been reported in the literature in individuals affected with EVC2-related conditions. ClinVar contains an entry for this variant (Variation ID: 846041). For these reasons, this variant has been classified as Pathogenic.

Literature cited by the submitters: PubMed 17024374; PubMed 19810119; PubMed 19876929.